The following is an entry in ClinVar:

NM_001365536.1(SCN9A):c.1795A>C (p.Ser599Arg)

Genes: SCN9A (sodium voltage-gated channel alpha subunit 9; minus strand), SCN1A-AS1 (SCN1A and SCN9A antisense RNA 1; plus strand). Cytogenetic location: 2q24.3.
Variant type: single nucleotide variant.
Coding change: c.1795A>C on transcript NM_001365536.1 (MANE Select); coding-DNA position 1795, A replaced by C.
Protein change: p.Ser599Arg; replaces serine 599 with arginine.
Molecular consequence: missense variant.
Genome position (GRCh38, 1-based): chr2:166,284,632, T>G on the plus strand (A>C on the coding strand, the complement: SCN9A is on the minus strand). VCF-style: chr2-166284632-T-G. GRCh37 (hg19) VCF-style: chr2-167141142-T-G.
Other names: c.1795A>C, p.Ser599Arg (NM_002977.4); short protein forms S599R.
Identifiers: ClinVar variation 1717397 (VCV001717397.6), dbSNP rs1574864308, ClinGen allele CA349083204.

ClinVar aggregate classification (germline): Uncertain significance (1 of 4 stars; one submission).

Conditions:
Generalized epilepsy with febrile seizures plus, type 7 (GEFSP7). Also called: GEFS+, TYPE 7. Identifiers: Orphanet 36387, MedGen C2751778, MONDO:0013470, OMIM 613863.
Neuropathy, hereditary sensory and autonomic, type 2A (HSAN2A). Also called: ACROOSTEOLYSIS, GIACCAI TYPE; ACROOSTEOLYSIS, NEUROGENIC; WNK1-Related HSAN2 (HSAN2A); HSAN IIA; MORVAN DISEASE; NEUROPATHY, CONGENITAL SENSORY. Identifiers: Orphanet 970, MedGen C2752089, MONDO:0024309, OMIM 201300.

Submission:

Labcorp Genetics (formerly Invitae), Labcorp
Classification: Uncertain significance for Neuropathy, hereditary sensory and autonomic, type 2A; Generalized epilepsy with febrile seizures plus, type 7. Last evaluated: 2023-08-17. Review status: criteria provided, single submitter. Criteria: Invitae Variant Classification Sherloc (09022015). Collection method: clinical testing. Allele origin: germline.
Comment: ClinVar contains an entry for this variant (Variation ID: 1717397). This variant has not been reported in the literature in individuals affected with SCN9A-related conditions. This variant is not present in population databases (gnomAD no frequency). This sequence change replaces serine, which is neutral and polar, with arginine, which is basic and polar, at codon 599 of the SCN9A protein (p.Ser599Arg). Advanced modeling of protein sequence and biophysical properties (such as structural, functional, and spatial information, amino acid conservation, physicochemical variation, residue mobility, and thermodynamic stability) performed at Invitae indicates that this missense variant is not expected to disrupt SCN9A protein function. In summary, the available evidence is currently insufficient to determine the role of this variant in disease. Therefore, it has been classified as a Variant of Uncertain Significance.